The following is an entry in ClinVar:

NM_001267550.2(TTN):c.2780C>T (p.Thr927Ile)

Gene: TTN (titin; minus strand). Cytogenetic location: 2q31.2.
Variant type: single nucleotide variant.
Coding change: c.2780C>T on transcript NM_001267550.2 (MANE Select); coding-DNA position 2780, C replaced by T.
Protein change: p.Thr927Ile; replaces threonine 927 with isoleucine.
Molecular consequence: missense variant.
Genome position (GRCh38, 1-based): chr2:178,783,781, G>A on the plus strand (C>T on the coding strand, the complement: TTN is on the minus strand). VCF-style: chr2-178783781-G-A. GRCh37 (hg19) VCF-style: chr2-179648508-G-A.
Other names: c.2642C>T, p.Thr881Ile (NM_003319.4, NM_133432.3, NM_133437.4); c.2780C>T, p.Thr927Ile (NM_001256850.1, NM_133378.4, NM_133379.5); short protein forms T881I, T927I.
Identifiers: ClinVar variation 518711 (VCV000518711.5), dbSNP rs1470055509, ClinGen allele CA349494547.
Genomic context (GRCh38, chr2:178,783,781, plus strand): 5'-GAGACCAAAGTTGGTGGAGTAACAGGAATTTCAACAGGTGCTGGTACTCTTGCTGTTTCT[G>A]TTACCTAGATTTTTACAAATTATATTACAAAATGCTCATGAAATTAAGGGAAATCTCATA-3'
Protein context (NP_001254479.2, residues 917-937): EVLHGREAKV[Thr927Ile]ETARVPAPVE

ClinVar aggregate classification (germline): Uncertain significance (1 of 4 stars; one submission).

Conditions:
Cardiovascular phenotype. Identifiers: MedGen CN230736.

Submission:

Ambry Genetics
Classification: Uncertain significance for Cardiovascular phenotype. Last evaluated: 2017-08-31. Review status: criteria provided, single submitter. Criteria: Ambry Variant Classification Scheme 2023. Collection method: clinical testing. Allele origin: germline.
Comment: The p.T881I variant (also known as c.2642C>T), located in coding exon 15 of the TTN gene, results from a C to T substitution at nucleotide position 2642. The threonine at codon 881 is replaced by isoleucine, an amino acid with similar properties. This amino acid position is well conserved in available vertebrate species. In addition, the in silico prediction for this alteration is inconclusive. Since supporting evidence is limited at this time, the clinical significance of this alteration remains unclear.